The following is an entry in ClinVar:

ClinVar aggregate classification (germline): Uncertain significance. Review status: criteria provided, multiple submitters, no conflicts (2 of 4 stars). 2 submissions from 2 submitters: Uncertain significance (2). Last evaluated 2025-12-22.

Conditions:
Arrhythmogenic right ventricular dysplasia 11. Also called: ARRHYTHMOGENIC RIGHT VENTRICULAR DYSPLASIA, FAMILIAL, 11; Arrhythmogenic Right Ventricular Dysplasia/Cardiomyopathy11; Arrhythmogenic right ventricular dysplasia 11 with mild palmoplantar keratoderma and woolly hair. Identifiers: MedGen C1864850, MONDO:0012506, OMIM 610476.
Cardiomyopathy (CMYO). Also called: Cardiomyopathies. Identifiers: Orphanet 167848, MedGen C0878544, MONDO:0004994, HP:0001638. Inheritance: Various modes of inheritance.

gnomAD v4.1: 6 of 1,614,000 alleles (0.00037%); highest among the groups gnomAD compares: Non-Finnish European, 0.00051%; no homozygotes.

Submissions (2):

Labcorp Genetics (formerly Invitae), Labcorp
Classification: Uncertain significance for Arrhythmogenic right ventricular dysplasia 11. Last evaluated: 2025-12-22. Review status: criteria provided, single submitter. Criteria: Invitae Variant Classification Sherloc (09022015). Collection method: clinical testing. Allele origin: germline.
Comment: This sequence change replaces isoleucine, which is neutral and non-polar, with valine, which is neutral and non-polar, at codon 173 of the DSC2 protein (p.Ile173Val). This variant is present in population databases (no rsID available, gnomAD 0.002%). This variant has not been reported in the literature in individuals affected with DSC2-related conditions. ClinVar contains an entry for this variant (Variation ID: 926323). Invitae Evidence Modeling of protein sequence and biophysical properties (such as structural, functional, and spatial information, amino acid conservation, physicochemical variation, residue mobility, and thermodynamic stability) indicates that this missense variant is expected to disrupt DSC2 protein function with a positive predictive value of 80%. In summary, the available evidence is currently insufficient to determine the role of this variant in disease. Therefore, it has been classified as a Variant of Uncertain Significance.

Color Diagnostics, LLC DBA Color Health
Classification: Uncertain significance for Cardiomyopathy. Last evaluated: 2024-03-06. Review status: criteria provided, single submitter. Criteria: ACMG Guidelines, 2015. Collection method: clinical testing. Allele origin: germline.
Comment: This missense variant replaces isoleucine with valine at codon 173 of the DSC2 protein. Computational prediction tool suggests that this variant may not impact protein structure and function (internally defined REVEL score threshold <=0.5, PMID: 27666373). Splice site prediction tools suggest that this variant may not impact RNA splicing. To our knowledge, functional studies have not been performed for this variant. This variant has not been reported in individuals affected with cardiovascular disorders in the literature. This variant has been identified in 2/251290 chromosomes in the general population by the Genome Aggregation Database (gnomAD). The available evidence is insufficient to determine the role of this variant in disease conclusively. Therefore, this variant is classified as a Variant of Uncertain Significance.

NM_024422.6(DSC2):c.517A>G (p.Ile173Val)

Gene: DSC2 (desmocollin 2; minus strand). Cytogenetic location: 18q12.1.
Variant type: single nucleotide variant.
Coding change: c.517A>G on transcript NM_024422.6 (MANE Select); coding-DNA position 517, A replaced by G.
Protein change: p.Ile173Val; replaces isoleucine 173 with valine.
Molecular consequence: missense variant.
Genome position (GRCh38, 1-based): chr18:31,089,552, T>C on the plus strand (A>G on the coding strand, the complement: DSC2 is on the minus strand). VCF-style: chr18-31089552-T-C. GRCh37 (hg19) VCF-style: chr18-28669515-T-C.
Other names: c.517A>G, p.Ile173Val (NM_004949.5); short protein forms I173V.
Identifiers: ClinVar variation 926323 (VCV000926323.13), dbSNP rs766855728, ClinGen allele CA402113708.